The following is an entry in ClinVar:

NM_020699.4(GATAD2B):c.1191C>T (p.Val397=)

Gene: GATAD2B (GATA zinc finger domain containing 2B; minus strand). Cytogenetic location: 1q21.3.
Variant type: single nucleotide variant.
Coding change: c.1191C>T on transcript NM_020699.4 (MANE Select); coding-DNA position 1191, C replaced by T.
Protein change: p.Val397=; no amino-acid change (valine 397 retained).
Molecular consequence: synonymous variant.
Genome position (GRCh38, 1-based): chr1:153,816,298, G>A on the plus strand (C>T on the coding strand, the complement: GATAD2B is on the minus strand). VCF-style: chr1-153816298-G-A. GRCh37 (hg19) VCF-style: chr1-153788774-G-A.
Identifiers: ClinVar variation 1594076 (VCV001594076.12), dbSNP rs371307289, ClinGen allele CA1120693.

ClinVar aggregate classification (germline): Likely benign. Review status: criteria provided, multiple submitters, no conflicts (2 of 4 stars). 2 submissions from 2 submitters: Likely benign (2). Last evaluated 2026-01-01.

Allele frequency attached by ClinVar (database versions not stated): gnomAD exomes 0.00002 and 0.00004; ExAC 0.00005; gnomAD 0.00007; ESP Exome Variant Server 0.00015; TOPMed 0.00017.
gnomAD v4.1: 43 of 1,612,782 alleles (0.0027%); highest among the groups gnomAD compares: African/African-American, 0.023%; no homozygotes.

Submissions (2):

CeGaT Center for Human Genetics Tuebingen
Classification: Likely benign. Last evaluated: 2026-01-01. Review status: criteria provided, single submitter. Criteria: CeGaT Center For Human Genetics Tuebingen Variant Classification Criteria Version 2. Collection method: clinical testing. Allele origin: germline. Affected: yes. Observed: 1 variant allele.
Comment: GATAD2B: BP4, BP7

Labcorp Genetics (formerly Invitae), Labcorp
Classification: Likely benign. Last evaluated: 2025-06-04. Review status: criteria provided, single submitter. Criteria: Invitae Variant Classification Sherloc (09022015). Collection method: clinical testing. Allele origin: germline.